The following is an entry in ClinVar:

NM_004727.3(SLC24A1):c.2104G>A (p.Ala702Thr)

Gene: SLC24A1 (solute carrier family 24 member 1; plus strand). Cytogenetic location: 15q22.31.
Variant type: single nucleotide variant.
Coding change: c.2104G>A on transcript NM_004727.3 (MANE Select); coding-DNA position 2104, G replaced by A.
Protein change: p.Ala702Thr; replaces alanine 702 with threonine.
Molecular consequence: missense variant.
Genome position (GRCh38, 1-based): chr15:65,644,477, G>A. VCF-style: chr15-65644477-G-A. GRCh37 (hg19) VCF-style: chr15-65936815-G-A.
Other names: c.85G>A, p.Ala29Thr (NM_001254740.2); c.2104G>A, p.Ala702Thr (NM_001301031.1); c.2050G>A, p.Ala684Thr (NM_001301032.1, NM_001301033.2); short protein forms A702T, A29T, A684T.
Identifiers: ClinVar variation 1365983 (VCV001365983.8), dbSNP rs775293574, ClinGen allele CA7620092.

ClinVar aggregate classification (germline): Uncertain significance (1 of 4 stars; one submission).

Allele frequency attached by ClinVar (database versions not stated): gnomAD exomes below 0.00001 and 0.00001; TOPMed below 0.00001; ExAC 0.00002.
gnomAD v4.1: 2 of 1,596,830 alleles (0.00013%); highest among the groups gnomAD compares: Non-Finnish European, 0.00017%; no homozygotes.

Submission:

Labcorp Genetics (formerly Invitae), Labcorp
Classification: Uncertain significance. Last evaluated: 2023-07-07. Review status: criteria provided, single submitter. Criteria: Invitae Variant Classification Sherloc (09022015). Collection method: clinical testing. Allele origin: germline.
Comment: In summary, the available evidence is currently insufficient to determine the role of this variant in disease. Therefore, it has been classified as a Variant of Uncertain Significance. This sequence change replaces alanine, which is neutral and non-polar, with threonine, which is neutral and polar, at codon 702 of the SLC24A1 protein (p.Ala702Thr). The frequency data for this variant in the population databases is considered unreliable, as metrics indicate poor data quality at this position in the gnomAD database. This variant has not been reported in the literature in individuals affected with SLC24A1-related conditions. ClinVar contains an entry for this variant (Variation ID: 1365983). An algorithm developed to predict the effect of missense changes on protein structure and function (PolyPhen-2) suggests that this variant is likely to be tolerated.